The following is an entry in ClinVar:

NM_000018.4(ACADVL):c.1606-22C>T

Gene: ACADVL (acyl-CoA dehydrogenase very long chain; plus strand). Cytogenetic location: 17p13.1.
Variant type: single nucleotide variant.
Coding change: c.1606-22C>T on transcript NM_000018.4 (MANE Select); 22 bases into the intron before coding-DNA position 1606, C replaced by T.
Molecular consequence: intron variant.
Genome position (GRCh38, 1-based): chr17:7,224,458, C>T. VCF-style: chr17-7224458-C-T. GRCh37 (hg19) VCF-style: chr17-7127777-C-T.
Other names: c.1540-22C>T (NM_001033859.3); c.1675-22C>T (NM_001270447.2); c.1378-22C>T (NM_001270448.2).
Identifiers: ClinVar variation 439359 (VCV000439359.15), dbSNP rs370303265, ClinGen allele CA8338184.

ClinVar aggregate classification (germline): Likely benign. Review status: reviewed by expert panel (3 of 4 stars). 4 submissions from 4 submitters: Likely benign (1). 3 of the submissions do not count toward it. Last evaluated 2026-09-04.

Conditions:
Very long chain acyl-CoA dehydrogenase deficiency (ACADVLD). Also called: VLCAD Deficiency; Very Long-Chain Acyl-Coenzyme A Dehydrogenase Deficiency. Identifiers: Orphanet 26793, MedGen C3887523, MONDO:0008723, OMIM 201475.

Allele frequency attached by ClinVar (database versions not stated): 1000 Genomes Project 0.00100; 1000 Genomes Project 30x 0.00109; gnomAD 0.00129 and 0.00139; TOPMed 0.00151; ESP Exome Variant Server 0.00261.
gnomAD v4.1: 389 of 1,613,816 alleles (0.024%); highest among the groups gnomAD compares: African/African-American, 0.42%; no homozygotes.

Submissions (4):

ClinGen ACADVL Variant Curation Expert Panel, ClinGen
Classification: Likely benign for Very long chain acyl-CoA dehydrogenase deficiency. Last evaluated: 2026-09-04. Review status: reviewed by expert panel. Criteria: ClinGen ACADVL ACMG Specifications ACADVL V2.1. Collection method: curation. Allele origin: germline. Inheritance: Autosomal recessive inheritance.
Comment: The c.1606-22C>T (NM_000018.4) variant in ACADVL is an intronic variant which occurs in intron 16 and is not predicted by SpliceAI to impact splicing (BP4, BP7). To our knowledge, this variant has not been reported in the literature in any individuals with autosomal recessive very long chain acyl-CoA dehydrogenase (VLCAD) deficiency. The highest population minor allele frequency in gnomAD v4.1 is 0.004239 in the African/African American population, which is higher than the ClinGen ACADVL Variant Curation Expert Panel threshold (≥0.0035) for BS1, and therefore meets this criterion (BS1). In summary, this variant meets the criteria to be classified as likely benign for autosomal recessive VLCAD deficiency based on the ACMG/AMP criteria applied, as specified by the ClinGen ACADVL Variant Curation Expert Panel: BP4, BP7, BS1 (ACADVL VCEP specifications version 2.1.0; approved September 4, 2025).

Wong Mito Lab, Molecular and Human Genetics, Baylor College of Medicine
Classification: Uncertain significance for Very long chain acyl-CoA dehydrogenase deficiency. Last evaluated: 2019-11-01. Review status: criteria provided, single submitter. Criteria: ACMG Guidelines, 2015. Collection method: clinical testing. Allele origin: germline. Not counted in ClinVar's aggregate classification.
Comment: The NM_000018.3:c.1606-22C>T (NP_000009.1:p.?) [GRCH38: NC_000017.11:g.7224458C>T] variant in ACADVL gene is interpretated to be Uncertain Significance based on ACMG guidelines (PMID: 25741868). This variant has been reported. This variant dose not meet any evidence codes reported in the ACMG guidelines.

ARUP Laboratories, Molecular Genetics and Genomics, ARUP Laboratories
Classification: Likely benign. Last evaluated: 2016-12-14. Review status: criteria provided, single submitter. Criteria: ARUP Molecular Germline Variant Investigation Process. Collection method: clinical testing. Allele origin: germline. Not counted in ClinVar's aggregate classification.

Counsyl
Classification: Likely benign for Very long chain acyl-CoA dehydrogenase deficiency. Last evaluated: 2017-12-15. Review status: no assertion criteria provided. Collection method: clinical testing. Allele origin: unknown. Not counted in ClinVar's aggregate classification.